The following is an entry in ClinVar:

ClinVar aggregate classification (germline): Uncertain significance. Review status: criteria provided, multiple submitters, no conflicts (2 of 4 stars). 2 submissions from 2 submitters: Uncertain significance (2). Last evaluated 2025-02-18.

Conditions:
Familial thoracic aortic aneurysm and aortic dissection (TAAD). Also called: Thoracic aortic aneurysms and dissections. Identifiers: Orphanet 91387, MedGen C4707243, MONDO:0019625.
Marfan syndrome (MFS). Also called: Marfan syndrome type 1; Marfan syndrome, classic; Marfan's syndrome; FBN1-Related Marfan Syndrome; MARFAN SYNDROME, TYPE I. Identifiers: Orphanet 284963, Orphanet 558, MedGen C0024796, MONDO:0007947, OMIM 154700.

Allele frequency attached by ClinVar (database versions not stated): TOPMed below 0.00001; gnomAD exomes 0.00001 and below 0.00001.
gnomAD v4.1: 14 of 1,614,014 alleles (0.00087%); highest among the groups gnomAD compares: South Asian, 0.0033%; no homozygotes.

Submissions (2):

Labcorp Genetics (formerly Invitae), Labcorp
Classification: Uncertain significance for Marfan syndrome; Familial thoracic aortic aneurysm and aortic dissection. Last evaluated: 2025-02-18. Review status: criteria provided, single submitter. Criteria: Invitae Variant Classification Sherloc (09022015). Collection method: clinical testing. Allele origin: germline.
Comment: This sequence change replaces alanine, which is neutral and non-polar, with valine, which is neutral and non-polar, at codon 705 of the FBN1 protein (p.Ala705Val). This variant is present in population databases (no rsID available, gnomAD 0.003%). This variant has not been reported in the literature in individuals affected with FBN1-related conditions. ClinVar contains an entry for this variant (Variation ID: 519803). An algorithm developed to predict the effect of missense changes on protein structure and function (PolyPhen-2) suggests that this variant is likely to be disruptive. In summary, the available evidence is currently insufficient to determine the role of this variant in disease. Therefore, it has been classified as a Variant of Uncertain Significance.

Ambry Genetics
Classification: Uncertain significance for Familial thoracic aortic aneurysm and aortic dissection. Last evaluated: 2024-12-06. Review status: criteria provided, single submitter. Criteria: Ambry Variant Classification Scheme 2023. Collection method: clinical testing. Allele origin: germline.
Comment: The p.A705V variant (also known as c.2114C>T) is located in coding exon 17 of the FBN1 gene. The alanine at codon 705 is replaced by valine, an amino acid with similar properties. This change occurs in the first base pair of coding exon 17. This amino acid position is well conserved in available vertebrate species. In addition, the in silico prediction for this alteration is inconclusive. Since supporting evidence is limited at this time, the clinical significance of this alteration remains unclear.

NM_000138.5(FBN1):c.2114C>T (p.Ala705Val)

Gene: FBN1 (fibrillin 1; minus strand). Cytogenetic location: 15q21.1.
Variant type: single nucleotide variant.
Coding change: c.2114C>T on transcript NM_000138.5 (MANE Select); coding-DNA position 2114, C replaced by T.
Protein change: p.Ala705Val; replaces alanine 705 with valine.
Molecular consequence: missense variant.
Genome position (GRCh38, 1-based): chr15:48,499,038, G>A on the plus strand (C>T on the coding strand, the complement: FBN1 is on the minus strand). VCF-style: chr15-48499038-G-A. GRCh37 (hg19) VCF-style: chr15-48791235-G-A.
Other names: short protein forms A705V.
Identifiers: ClinVar variation 519803 (VCV000519803.17), dbSNP rs1426292408, ClinGen allele CA392336475.